The following is an entry in ClinVar:

NM_001999.4(FBN2):c.7943A>G (p.Gln2648Arg)

Gene: FBN2 (fibrillin 2; minus strand). Cytogenetic location: 5q23.3.
Variant type: single nucleotide variant.
Coding change: c.7943A>G on transcript NM_001999.4 (MANE Select); coding-DNA position 7943, A replaced by G.
Protein change: p.Gln2648Arg; replaces glutamine 2648 with arginine.
Molecular consequence: missense variant.
Genome position (GRCh38, 1-based): chr5:128,272,016, T>C on the plus strand (A>G on the coding strand, the complement: FBN2 is on the minus strand). VCF-style: chr5-128272016-T-C. GRCh37 (hg19) VCF-style: chr5-127607708-T-C.
Other names: short protein forms Q2648R.
Identifiers: ClinVar variation 3700346 (VCV003700346.2).

ClinVar aggregate classification (germline): Uncertain significance (1 of 4 stars; one submission).

Conditions:
Congenital contractural arachnodactyly (CCA). Also called: Beals-Hecht syndrome; BEALS SYNDROME; Arthrogryposis, distal, type 9. Identifiers: Orphanet 115, MedGen C0220668, MONDO:0007363, OMIM 121050.

gnomAD v4.1: 1 of 1,614,004 alleles (0.000062%); highest among the groups gnomAD compares: Non-Finnish European, 0.000085%; no homozygotes.

Submission:

Labcorp Genetics (formerly Invitae), Labcorp
Classification: Uncertain significance for Congenital contractural arachnodactyly. Last evaluated: 2024-06-05. Review status: criteria provided, single submitter. Criteria: Invitae Variant Classification Sherloc (09022015). Collection method: clinical testing. Allele origin: germline.
Comment: This sequence change replaces glutamine, which is neutral and polar, with arginine, which is basic and polar, at codon 2648 of the FBN2 protein (p.Gln2648Arg). This variant is not present in population databases (gnomAD no frequency). This variant has not been reported in the literature in individuals affected with FBN2-related conditions. Advanced modeling of protein sequence and biophysical properties (such as structural, functional, and spatial information, amino acid conservation, physicochemical variation, residue mobility, and thermodynamic stability) has been performed at Invitae for this missense variant, however the output from this modeling did not meet the statistical confidence thresholds required to predict the impact of this variant on FBN2 protein function. In summary, the available evidence is currently insufficient to determine the role of this variant in disease. Therefore, it has been classified as a Variant of Uncertain Significance.